The following is an entry in ClinVar:

NM_001012339.3(DNAJC21):c.1166AGAAAC[1] (p.Gln391_Lys392del)

Gene: DNAJC21 (DnaJ heat shock protein family (Hsp40) member C21; plus strand). Cytogenetic location: 5p13.2.
Variant type: Microsatellite.
Coding change: c.1166AGAAAC[1] on transcript NM_001012339.3 (MANE Select); one copy of the 6-base unit AGAAAC starting at c.1166; the reference has two copies in a row; one copy, 6 bases deleted.
Protein change: p.Gln391_Lys392del.
Molecular consequence: inframe deletion.
Genome position (GRCh38, 1-based): chr5:34,945,790-34,945,795, AGAAAC deleted; deleting any 6 consecutive bases within chr5:34,945,784-34,945,795 gives the same sequence; the position shown is the placement nearest the transcript's 3' end. VCF-style (leftmost placement, unchanged base first): chr5-34945783-AAGAAAC-A. GRCh37 (hg19) VCF-style: chr5-34945888-AAGAAAC-A.
Other names: c.1205AGAAAC[1], p.Gln404_Lys405del (NM_001348420.2); c.1166AGAAAC[1], p.Gln391_Lys392del (NM_194283.4).
Identifiers: ClinVar variation 1437579 (VCV001437579.6), dbSNP rs1765158325, ClinGen allele CA1074978462.

ClinVar aggregate classification (germline): Uncertain significance. Review status: criteria provided, multiple submitters, no conflicts (2 of 4 stars). 2 submissions from 2 submitters: Uncertain significance (2). Last evaluated 2021-09-24.

Submissions (2):

Labcorp Genetics (formerly Invitae), Labcorp
Classification: Uncertain significance. Last evaluated: 2021-09-24. Review status: criteria provided, single submitter. Criteria: Invitae Variant Classification Sherloc (09022015). Collection method: clinical testing. Allele origin: germline.
Comment: This variant, c.1172_1177del, results in the deletion of 2 amino acid(s) of the DNAJC21 protein (p.Gln391_Lys392del), but otherwise preserves the integrity of the reading frame. This variant is not present in population databases (ExAC no frequency). This variant has not been reported in the literature in individuals with DNAJC21-related conditions. Experimental studies and prediction algorithms are not available or were not evaluated, and the functional significance of this variant is currently unknown. In summary, the available evidence is currently insufficient to determine the role of this variant in disease. Therefore, it has been classified as a Variant of Uncertain Significance.

Blueprint Genetics
Classification: Uncertain significance. Last evaluated: 2021-06-28. Review status: criteria provided, single submitter. Criteria: ACMG Guidelines, 2015. Collection method: clinical testing. Allele origin: germline.